The following is an entry in ClinVar:

NM_001034853.2(RPGR):c.2487_2513del (p.Glu831_Glu839del)

Gene: RPGR (retinitis pigmentosa GTPase regulator; minus strand). Cytogenetic location: Xp11.4.
Variant type: Deletion.
Coding change: c.2487_2513del on transcript NM_001034853.2 (MANE Select); coding-DNA positions 2487 to 2513, 27 bases deleted (AGAGGAGGAGGGTGAGGGGGAAGAGGA).
Protein change: p.Glu831_Glu839del.
Molecular consequence: intron variant (on NM_001367249.1).
Genome position (GRCh38, 1-based): chrX:38,286,486-38,286,512, TCCTCTTCCCCCTCACCCTCCTCCTCT deleted on the plus strand (AGAGGAGGAGGGTGAGGGGGAAGAGGA on the coding strand, the reverse complement: RPGR is on the minus strand); deleting any 27 consecutive bases within chrX:38,286,486-38,286,522 gives the same sequence; the c. name uses the placement nearest the transcript's 3' end. VCF-style (leftmost placement, unchanged base first): chrX-38286485-CTCCTCTTCCCCCTCACCCTCCTCCTCT-C. GRCh37 (hg19) VCF-style: chrX-38145738-CTCCTCTTCCCCCTCACCCTCCTCCTCT-C.
Other names: c.1569+4447_1569+4473del (NM_001367249.1, NM_001367250.1); c.1902+582_1902+608del (NM_001367245.1); c.1386+4447_1386+4473del (NM_001367251.1); c.1719+582_1719+608del (NM_001367246.1); c.1572+4447_1572+4473del (NM_001367247.1); c.1905+582_1905+608del (NM_000328.3); c.1602+4447_1602+4473del (NM_001367248.1).
Identifiers: ClinVar variation 3631724 (VCV003631724.2).

ClinVar aggregate classification (germline): Uncertain significance (1 of 4 stars; one submission).

Conditions:
Primary ciliary dyskinesia. Also called: Ciliary dyskinesia. Identifiers: Orphanet 244, MedGen C0008780, MONDO:0016575, HP:0012265.

Submission:

Labcorp Genetics (formerly Invitae), Labcorp
Classification: Uncertain significance for Primary ciliary dyskinesia. Last evaluated: 2024-04-30. Review status: criteria provided, single submitter. Criteria: Invitae Variant Classification Sherloc (09022015). Collection method: clinical testing. Allele origin: germline.
Comment: This variant, c.2487_2513del, results in the deletion of 9 amino acid(s) of the RPGR (ORF15) protein (p.Glu831_Glu839del), but otherwise preserves the integrity of the reading frame. This variant is not present in population databases (gnomAD no frequency). This variant has not been reported in the literature in individuals affected with RPGR (ORF15)-related conditions. Experimental studies and prediction algorithms are not available or were not evaluated, and the functional significance of this variant is currently unknown. In summary, the available evidence is currently insufficient to determine the role of this variant in disease. Therefore, it has been classified as a Variant of Uncertain Significance.